The following is an entry in ClinVar:

NM_002156.5(HSPD1):c.607-10C>T

Gene: HSPD1 (heat shock protein family D (Hsp60) member 1; minus strand). Cytogenetic location: 2q33.1.
Variant type: single nucleotide variant.
Coding change: c.607-10C>T on transcript NM_002156.5 (MANE Select); 10 bases into the intron before coding-DNA position 607, C replaced by T.
Molecular consequence: intron variant.
Genome position (GRCh38, 1-based): chr2:197,494,260, G>A on the plus strand (C>T on the coding strand, the complement: HSPD1 is on the minus strand). VCF-style: chr2-197494260-G-A. GRCh37 (hg19) VCF-style: chr2-198358984-G-A.
Other names: c.607-10C>T (NM_199440.2).
Identifiers: ClinVar variation 387134 (VCV000387134.4), dbSNP rs765686397, ClinGen allele CA2043550.

ClinVar aggregate classification (germline): Likely benign. Review status: criteria provided, multiple submitters, no conflicts (2 of 4 stars). 2 submissions from 2 submitters: Likely benign (2). Last evaluated 2018-12-27.

Allele frequency attached by ClinVar (database versions not stated): TOPMed below 0.00001; ExAC 0.00001; gnomAD 0.00001; gnomAD exomes 0.00001.
gnomAD v4.1: 8 of 1,336,138 alleles (0.0006%); highest among the groups gnomAD compares: Middle Eastern, 0.018%; no homozygotes.

Submissions (2):

Labcorp Genetics (formerly Invitae), Labcorp
Classification: Likely benign. Last evaluated: 2018-12-27. Review status: criteria provided, single submitter. Criteria: Invitae Variant Classification Sherloc (09022015). Collection method: clinical testing. Allele origin: germline.

GeneDx
Classification: Likely benign. Last evaluated: 2016-07-06. Review status: criteria provided, single submitter. Criteria: GeneDx Variant Classification (06012015). Collection method: clinical testing. Allele origin: germline. Affected: yes.
Comment: This variant is considered likely benign or benign based on one or more of the following criteria: it is a conservative change, it occurs at a poorly conserved position in the protein, it is predicted to be benign by multiple in silico algorithms, and/or has population frequency not consistent with disease.